The following is an entry in ClinVar:

NM_000380.4(XPA):c.289G>A (p.Val97Ile)

Gene: XPA (XPA, DNA damage recognition and repair factor; minus strand). Cytogenetic location: 9q22.33.
Variant type: single nucleotide variant.
Coding change: c.289G>A on transcript NM_000380.4 (MANE Select); coding-DNA position 289, G replaced by A.
Protein change: p.Val97Ile; replaces valine 97 with isoleucine.
Molecular consequence: missense variant. On other transcripts: non-coding transcript variant (2).
Genome position (GRCh38, 1-based): chr9:97,689,634, C>T on the plus strand (G>A on the coding strand, the complement: XPA is on the minus strand). VCF-style: chr9-97689634-C-T. GRCh37 (hg19) VCF-style: chr9-100451916-C-T.
Other names: c.163G>A, p.Val55Ile (NM_001354975.2); short protein forms V55I, V97I.
Identifiers: ClinVar variation 729280 (VCV000729280.16), dbSNP rs10983315, ClinGen allele CA5148848.

ClinVar aggregate classification (germline): Benign/Likely benign. Review status: criteria provided, multiple submitters, no conflicts (2 of 4 stars). 3 submissions from 3 submitters: Benign (1); Likely benign (1). 1 of the submissions does not count toward it. Last evaluated 2026-01-14.

Conditions:
XPA-related disorder. Also called: XPA-related condition.
Xeroderma pigmentosum group A (XPA). Also called: Xeroderma pigmentosum, complementation group A; XP, group A; XPA-Related Xeroderma Pigmentosum. Identifiers: Orphanet 910, MedGen C0268135, MONDO:0010210, OMIM 278700.

Allele frequency attached by ClinVar (database versions not stated): gnomAD exomes 0.00011 and 0.00059; gnomAD 0.00019 and 0.00021; TOPMed 0.00033; 1000 Genomes Project 0.00040; 1000 Genomes Project 30x 0.00047; ExAC 0.00070.
gnomAD v4.1: 217 of 1,596,492 alleles (0.014%); highest among the groups gnomAD compares: East Asian, 0.4%; no homozygotes.

Submissions (3):

Labcorp Genetics (formerly Invitae), Labcorp
Classification: Benign. Last evaluated: 2026-01-14. Review status: criteria provided, single submitter. Criteria: Invitae Variant Classification Sherloc (09022015). Collection method: clinical testing. Allele origin: germline.

Illumina Laboratory Services, Illumina
Classification: Likely benign for Xeroderma pigmentosum group A. Last evaluated: 2017-04-27. Review status: criteria provided, single submitter. Criteria: ICSL Variant Classification Criteria 13 December 2019. Collection method: clinical testing. Allele origin: germline.
Comment: This variant was observed as part of a predisposition screen in an ostensibly healthy population. A literature search was performed for the gene, cDNA change, and amino acid change (where applicable). No publications were found based on this search. Allele frequency data from public databases allowed determination this variant is unlikely to cause disease. Therefore, this variant is classified as likely benign.

PreventionGenetics, part of Exact Sciences
Classification: Benign for XPA-related condition. Last evaluated: 2020-05-15. Review status: no assertion criteria provided. Collection method: clinical testing. Allele origin: germline. Not counted in ClinVar's aggregate classification.
Comment: This variant is classified as benign based on ACMG/AMP sequence variant interpretation guidelines (Richards et al. 2015 PMID: 25741868, with internal and published modifications).